The following is an entry in ClinVar:

ClinVar aggregate classification (germline): Uncertain significance. Review status: criteria provided, multiple submitters, no conflicts (2 of 4 stars). 3 submissions from 3 submitters: Uncertain significance (3). Last evaluated 2025-12-06.

Conditions:
Drash syndrome (DDS). Also called: WILMS TUMOR AND PSEUDO- OR TRUE HERMAPHRODITISM; NEPHROPATHY, WILMS TUMOR, AND GENITAL ANOMALIES. Identifiers: Orphanet 220, MedGen C0950121, MONDO:0008682, OMIM 194080.
Inborn genetic diseases. Identifiers: MedGen C0950123, MeSH D030342.
Frasier syndrome. Identifiers: Orphanet 347, MedGen C0950122, MeSH D052159, MONDO:0007635, OMIM 136680.
Wilms tumor 1 (WT1). Also called: Wilms tumor, somatic. Identifiers: Orphanet 654, MedGen CN033288, MONDO:0008679, OMIM 194070.
11p partial monosomy syndrome (WAGR). Also called: WAGR Spectrum Disorder; WAGR syndrome; CHROMOSOME 11p13 DELETION SYNDROME; WAGR Complex. Identifiers: Orphanet 893, MedGen C0206115, MONDO:0008681, OMIM 194072.

gnomAD v4.1: 1 of 1,612,518 alleles (0.000062%); highest among the groups gnomAD compares: Non-Finnish European, 0.000085%; no homozygotes.

Submissions (3):

Ambry Genetics
Classification: Uncertain significance for Inborn genetic diseases. Last evaluated: 2025-12-06. Review status: criteria provided, single submitter. Criteria: Ambry Variant Classification Scheme 2023. Collection method: clinical testing. Allele origin: germline.
Comment: The p.R176G variant (also known as c.526C>G), located in coding exon 1 of the WT1 gene, results from a C to G substitution at nucleotide position 526. The arginine at codon 176 is replaced by glycine, an amino acid with dissimilar properties. This amino acid position is conserved. In addition, this alteration is predicted to be deleterious by in silico analysis. Based on the available evidence, the clinical significance of this variant remains unclear.

Baylor Genetics
Classification: Uncertain significance for Drash syndrome. Last evaluated: 2024-03-19. Review status: criteria provided, single submitter. Criteria: ACMG Guidelines, 2015. Collection method: clinical testing. Allele origin: unknown.

Labcorp Genetics (formerly Invitae), Labcorp
Classification: Uncertain significance for Wilms tumor 1; Drash syndrome; 11p partial monosomy syndrome; Frasier syndrome. Last evaluated: 2022-02-04. Review status: criteria provided, single submitter. Criteria: Invitae Variant Classification Sherloc (09022015). Collection method: clinical testing. Allele origin: germline.
Comment: Algorithms developed to predict the effect of missense changes on protein structure and function (SIFT, PolyPhen-2, Align-GVGD) all suggest that this variant is likely to be disruptive. This sequence change replaces arginine, which is basic and polar, with glycine, which is neutral and non-polar, at codon 176 of the WT1 protein (p.Arg176Gly). This variant is not present in population databases (gnomAD no frequency). This variant has not been reported in the literature in individuals affected with WT1-related conditions. In summary, the available evidence is currently insufficient to determine the role of this variant in disease. Therefore, it has been classified as a Variant of Uncertain Significance.

NM_024426.6(WT1):c.541C>G (p.Arg181Gly)

Genes: WT1 (WT1 transcription factor; minus strand), LOC107982234 (WT1/WT1-AS bi-directional promoter region; plus strand). Cytogenetic location: 11p13.
Variant type: single nucleotide variant.
Coding change: c.541C>G on transcript NM_024426.6 (MANE Select); coding-DNA position 541, C replaced by G.
Protein change: p.Arg181Gly; replaces arginine 181 with glycine.
Molecular consequence: missense variant. On other transcripts: non-coding transcript variant (1).
Genome position (GRCh38, 1-based): chr11:32,434,820, G>C on the plus strand (C>G on the coding strand, the complement: WT1 is on the minus strand). VCF-style: chr11-32434820-G-C. GRCh37 (hg19) VCF-style: chr11-32456366-G-C.
Other names: c.541C>G, p.Arg181Gly (NM_000378.6, NM_001407044.1, NM_001407045.1 and 6 more transcripts); c.526C>G, p.Arg176Gly (NM_024425.2); c.526C>G (NM_024426.4); short protein forms R176G, R181G.
Identifiers: ClinVar variation 2155887 (VCV002155887.6), dbSNP rs1565001278, ClinGen allele CA379964726.